The following is an entry in ClinVar:

ClinVar aggregate classification (germline): Uncertain significance. Review status: criteria provided, multiple submitters, no conflicts (2 of 4 stars). 2 submissions from 2 submitters: Uncertain significance (2). Last evaluated 2025-09-09.

Allele frequency attached by ClinVar (database versions not stated): 1000 Genomes Project 0.00020; ESP Exome Variant Server 0.00023; gnomAD exomes 0.00025 and 0.00035; TOPMed 0.00029; gnomAD 0.00030 and 0.00031; ExAC 0.00035.
gnomAD v4.1: 553 of 1,612,832 alleles (0.034%); highest among the groups gnomAD compares: Non-Finnish European, 0.044%; no homozygotes.

Submissions (2):

Labcorp Genetics (formerly Invitae), Labcorp
Classification: Uncertain significance. Last evaluated: 2025-09-09. Review status: criteria provided, single submitter. Criteria: Invitae Variant Classification Sherloc (09022015). Collection method: clinical testing. Allele origin: germline.
Comment: This sequence change replaces lysine, which is basic and polar, with arginine, which is basic and polar, at codon 1091 of the MYH7B protein (p.Lys1091Arg). This variant is present in population databases (rs199645504, gnomAD 0.05%), and has an allele count higher than expected for a pathogenic variant. This variant has not been reported in the literature in individuals affected with MYH7B-related conditions. ClinVar contains an entry for this variant (Variation ID: 1397451). Invitae Evidence Modeling of protein sequence and biophysical properties (such as structural, functional, and spatial information, amino acid conservation, physicochemical variation, residue mobility, and thermodynamic stability) indicates that this missense variant is not expected to disrupt MYH7B protein function with a negative predictive value of 80%. In summary, the available evidence is currently insufficient to determine the role of this variant in disease. Therefore, it has been classified as a Variant of Uncertain Significance.

Ambry Genetics
Classification: Uncertain significance. Last evaluated: 2024-05-14. Review status: criteria provided, single submitter. Criteria: Ambry Variant Classification Scheme 2023. Collection method: clinical testing. Allele origin: germline.

NM_020884.7(MYH7B):c.3146A>G (p.Lys1049Arg)

Gene: MYH7B (myosin heavy chain 7B; plus strand). Cytogenetic location: 20q11.22.
Variant type: single nucleotide variant.
Coding change: c.3146A>G on transcript NM_020884.7 (MANE Select); coding-DNA position 3146, A replaced by G.
Protein change: p.Lys1049Arg; replaces lysine 1049 with arginine.
Molecular consequence: missense variant.
Genome position (GRCh38, 1-based): chr20:34,996,638, A>G. VCF-style: chr20-34996638-A-G. GRCh37 (hg19) VCF-style: chr20-33584441-A-G.
Other names: c.3272A>G (NM_020884.3); short protein forms K1049R.
Identifiers: ClinVar variation 1397451 (VCV001397451.8), dbSNP rs199645504, ClinGen allele CA9827648.